The following is an entry in ClinVar:

NM_000642.3(AGL):c.885G>C (p.Lys295Asn)

Gene: AGL (amylo-alpha-1,6-glucosidase and 4-alpha-glucanotransferase; plus strand). Cytogenetic location: 1p21.2.
Variant type: single nucleotide variant.
Coding change: c.885G>C on transcript NM_000642.3 (MANE Select); coding-DNA position 885, G replaced by C.
Protein change: p.Lys295Asn; replaces lysine 295 with asparagine.
Molecular consequence: missense variant.
Genome position (GRCh38, 1-based): chr1:99,870,796, G>C. VCF-style: chr1-99870796-G-C. GRCh37 (hg19) VCF-style: chr1-100336352-G-C.
Other names: c.885G>C, p.Lys295Asn (NM_000028.3, NM_000643.3, NM_000644.3 and 3 more transcripts); c.837G>C, p.Lys279Asn (NM_000646.3); c.681G>C, p.Lys227Asn (NM_001425328.1, NM_001425329.1); c.507G>C, p.Lys169Asn (NM_001425332.1); short protein forms K279N, K295N, K169N, K227N.
Identifiers: ClinVar variation 659515 (VCV000659515.8), dbSNP rs778977370, ClinGen allele CA966302.
Genomic context (GRCh38, chr1:99,870,796, plus strand): 5'-TTTAACTATTGACATTTTTCAGTCCATCCGAAAAATAATTTGGGAGGATATTTTTCCAAA[G>C]CTTAAACTCTGGGAATTTTTCCAAGTAGATGTCAACAAAGCGGTTGAGCAATTTAGAAGA-3'
Protein context (NP_000633.2, residues 285-305): RKIIWEDIFP[Lys295Asn]LKLWEFFQVD

ClinVar aggregate classification (germline): Uncertain significance. Review status: criteria provided, multiple submitters, no conflicts (2 of 4 stars). 3 submissions from 3 submitters: Uncertain significance (2). 1 of the submissions does not count toward it. Last evaluated 2025-01-27.

Conditions:
Glycogen storage disease type III (GSD3). Also called: Cori disease; FORBES DISEASE. Identifiers: Orphanet 366, MedGen C0017922, MONDO:0009291, OMIM 232400.

Allele frequency attached by ClinVar (database versions not stated): gnomAD exomes below 0.00001 and 0.00001; ExAC 0.00002.
gnomAD v4.1: 3 of 1,611,696 alleles (0.00019%); highest among the groups gnomAD compares: South Asian, 0.0011%; no homozygotes.

Submissions (3):

Revvity Omics, Revvity
Classification: Uncertain significance for Glycogen storage disease type III. Last evaluated: 2025-01-27. Review status: criteria provided, single submitter. Criteria: ACMG Guidelines, 2015. Collection method: clinical testing. Allele origin: germline.

Labcorp Genetics (formerly Invitae), Labcorp
Classification: Uncertain significance for Glycogen storage disease type III. Last evaluated: 2021-09-01. Review status: criteria provided, single submitter. Criteria: Invitae Variant Classification Sherloc (09022015). Collection method: clinical testing. Allele origin: germline.
Comment: This sequence change replaces lysine with asparagine at codon 295 of the AGL protein (p.Lys295Asn). The lysine residue is moderately conserved and there is a moderate physicochemical difference between lysine and asparagine. This variant is present in population databases (rs778977370, ExAC 0.002%). This variant has not been reported in the literature in individuals affected with AGL-related conditions. Algorithms developed to predict the effect of missense changes on protein structure and function are either unavailable or do not agree on the potential impact of this missense change (SIFT: "Deleterious"; PolyPhen-2: "Benign"; Align-GVGD: "Class C0"). In summary, the available evidence is currently insufficient to determine the role of this variant in disease. Therefore, it has been classified as a Variant of Uncertain Significance.

Natera, Inc.
Classification: Uncertain significance for Glycogen storage disease type III. Last evaluated: 2020-03-04. Review status: no assertion criteria provided. Collection method: clinical testing. Allele origin: germline. Not counted in ClinVar's aggregate classification.